The following is an entry in ClinVar:

NM_001127.4(AP1B1):c.668T>C (p.Leu223Pro)

Gene: AP1B1 (adaptor related protein complex 1 subunit beta 1; minus strand). Cytogenetic location: 22q12.2.
Variant type: single nucleotide variant.
Coding change: c.668T>C on transcript NM_001127.4 (MANE Select); coding-DNA position 668, T replaced by C.
Protein change: p.Leu223Pro; replaces leucine 223 with proline.
Molecular consequence: missense variant.
Genome position (GRCh38, 1-based): chr22:29,356,474, A>G on the plus strand (T>C on the coding strand, the complement: AP1B1 is on the minus strand). VCF-style: chr22-29356474-A-G. GRCh37 (hg19) VCF-style: chr22-29752463-A-G.
Other names: c.668T>C, p.Leu223Pro (NM_001166019.2, NM_001378562.1, NM_001378563.1 and 2 more transcripts); c.497T>C, p.Leu166Pro (NM_001378564.1, NM_001378565.1); short protein forms L223P, L166P.
Identifiers: ClinVar variation 1700246 (VCV001700246.2), dbSNP rs2147995205, ClinGen allele CA411130778.

ClinVar aggregate classification (germline): Uncertain significance. Review status: criteria provided, single submitter (1 of 4 stars). 2 submissions from 2 submitters: Uncertain significance (1). 1 of the submissions does not count toward it. Last evaluated 2025-11-29.

Conditions:
Autosomal recessive keratitis-ichthyosis-deafness syndrome. Also called: DESMONS SYNDROME; KID SYNDROME, AUTOSOMAL RECESSIVE; Ichthyosiform erythroderma, corneal involvement, and hearing loss. Identifiers: Orphanet 477, MedGen C1275089, MONDO:0009440, OMIM 242150.

Submissions (2):

3billion
Classification: Uncertain significance for Autosomal recessive keratitis-ichthyosis-deafness syndrome. Last evaluated: 2025-11-29. Review status: criteria provided, single submitter. Criteria: ACMG Guidelines, 2015. Collection method: clinical testing. Allele origin: germline. Affected: yes.
Comment: The variant is not observed in the gnomAD v4.1.0 dataset. Predicted Consequence/Location: Missense variant In silico tool predictions suggest damaging effect of the variant on gene or gene product [REVEL: 0.81 (>=0.6, sensitivity 0.68 and specificity 0.92); 3Cnet: 0.83 (> 0.75, sensitivity 0.96 and precision 0.92)]. The same nucleotide change resulting in the same amino acid change has been previously reported to be associated with AP1B1-related disorder (ClinVar ID: VCV001700246 /PMID: 32969855). However, the evidence of pathogenicity is insufficient at this time. Therefore, this variant is classified as VUS according to the recommendation of ACMG/AMP guideline.

OMIM
Classification: Pathogenic for KERATITIS-ICHTHYOSIS-DEAFNESS SYNDROME, AUTOSOMAL RECESSIVE. Last evaluated: 2022-08-08. Review status: no assertion criteria provided. Collection method: literature only. Allele origin: germline. Not counted in ClinVar's aggregate classification.

Literature cited by the submitters: PubMed 32969855 (cited by 3billion and OMIM).